The following is an entry in ClinVar:

ClinVar aggregate classification (germline): Likely benign (1 of 4 stars; one submission).

gnomAD v4.1: 19 of 1,012,747 alleles (0.0019%); highest among the groups gnomAD compares: Middle Eastern, 0.24%; no homozygotes.

Submission:

CeGaT Center for Human Genetics Tuebingen
Classification: Likely benign. Last evaluated: 2026-02-01. Review status: criteria provided, single submitter. Criteria: CeGaT Center For Human Genetics Tuebingen Variant Classification Criteria Version 2. Collection method: clinical testing. Allele origin: germline. Affected: yes. Observed: 1 variant allele.
Comment: SLC9A7: BP4, BP7, BS2

NM_001257291.2(SLC9A7):c.42T>C (p.Ala14=)

Genes: SLC9A7 (solute carrier family 9 member A7; minus strand), LOC130068197 (ATAC-STARR-seq lymphoblastoid silent region 20793; plus strand). Cytogenetic location: Xp11.3.
Variant type: single nucleotide variant.
Coding change: c.42T>C on transcript NM_001257291.2 (MANE Select); coding-DNA position 42, T replaced by C.
Protein change: p.Ala14=; no amino-acid change (alanine 14 retained).
Molecular consequence: synonymous variant.
Genome position (GRCh38, 1-based): chrX:46,758,988, A>G on the plus strand (T>C on the coding strand, the complement: SLC9A7 is on the minus strand). VCF-style: chrX-46758988-A-G. GRCh37 (hg19) VCF-style: chrX-46618423-A-G.
Other names: c.42T>C, p.Ala14= (NM_032591.3).
Identifiers: ClinVar variation 4821381 (VCV004821381.4).